The following is an entry in ClinVar:

ClinVar aggregate classification (germline): Conflicting classifications of pathogenicity. Review status: criteria provided, conflicting classifications (1 of 4 stars). 6 submissions from 6 submitters: Uncertain significance (3); Benign (1); Likely benign (1). 1 of the submissions does not count toward it. Last evaluated 2026-01-14.

Conditions:
RASA1-related disorder. Also called: RASA1-related condition.
Cardiovascular phenotype. Identifiers: MedGen CN230736.
Capillary malformation-arteriovenous malformation syndrome. Also called: Capillary malformation-arteriovenous malformation. Identifiers: Orphanet 137667, MedGen C1842180, MONDO:0012016.
Capillary malformation-arteriovenous malformation 1 (CMAVM1). Identifiers: Orphanet 137667, Orphanet 693907, MedGen C4747394, MONDO:0020783, OMIM 608354.

Allele frequency attached by ClinVar (database versions not stated): gnomAD exomes 0.00002 and 0.00004; gnomAD 0.00010; ExAC 0.00007; ESP Exome Variant Server 0.00008; TOPMed 0.00008.
gnomAD v4.1: 60 of 1,608,966 alleles (0.0037%); highest among the groups gnomAD compares: Middle Eastern, 0.016%; 1 homozygote.

Submissions (6):

Labcorp Genetics (formerly Invitae), Labcorp
Classification: Uncertain significance for Capillary malformation-arteriovenous malformation syndrome. Last evaluated: 2026-01-14. Review status: criteria provided, single submitter. Criteria: Invitae Variant Classification Sherloc (09022015). Collection method: clinical testing. Allele origin: germline.
Comment: This sequence change replaces isoleucine, which is neutral and non-polar, with valine, which is neutral and non-polar, at codon 925 of the RASA1 protein (p.Ile925Val). This variant is present in population databases (rs140786299, gnomAD 0.008%). This variant has not been reported in the literature in individuals affected with RASA1-related conditions. ClinVar contains an entry for this variant (Variation ID: 533443). An algorithm developed to predict the effect of missense changes on protein structure and function (PolyPhen-2) suggests that this variant is likely to be tolerated. In summary, the available evidence is currently insufficient to determine the role of this variant in disease. Therefore, it has been classified as a Variant of Uncertain Significance.

Ambry Genetics
Classification: Benign for Cardiovascular phenotype. Last evaluated: 2025-08-20. Review status: criteria provided, single submitter. Criteria: Ambry Variant Classification Scheme 2023. Collection method: clinical testing. Allele origin: germline.

ARUP Laboratories, Molecular Genetics and Genomics, ARUP Laboratories
Classification: Uncertain significance. Last evaluated: 2024-12-12. Review status: criteria provided, single submitter. Criteria: ARUP Molecular Germline Variant Investigation Process 2024. Collection method: clinical testing. Allele origin: germline.
Comment: The RASA1 c.2773A>G; p.Ile925Val variant (rs140786299), to our knowledge, is not reported in the medical literature but is reported in ClinVar (Variation ID: 533443). This variant is found in the general population with an overall allele frequency of 0.004% (11/281,818 alleles) in the Genome Aggregation Database (v2.1.1). Computational analyses are uncertain whether this variant is neutral or deleterious (REVEL: 0.298). Due to limited information, the clinical significance of this variant is uncertain at this time.

Blueprint Genetics
Classification: Likely benign. Last evaluated: 2024-11-20. Review status: criteria provided, single submitter. Criteria: ACMG Guidelines, 2015. Collection method: clinical testing. Allele origin: germline.

Clinical Genomics Laboratory, Washington University in St. Louis
Classification: Uncertain significance for Capillary malformation-arteriovenous malformation 1. Last evaluated: 2024-03-21. Review status: criteria provided, single submitter. Criteria: ACMG Guidelines, 2015. Collection method: clinical testing. Allele origin: germline.
Comment: The RASA1 c.2773A>G (p.Ile925Val) variant was identified at a near-heterozygous allelic fraction consistent with germline origin. This variant, to our knowledge, has not been reported in the medical literature. This variant has been reported in the ClinVar database as a germline variant of uncertain significance by two submitters and as likely benign by one submitter (ClinVar ID: 533443). Computational predictors suggest that the variant does not impact RASA1 function. Due to limited information, and based on ACMG/AMP guidelines for variant interpretation (Richards S et al., PMID: 25741868), the clinical significance of the RASA1 c.2773A>G (p.Ile925Val) variant is uncertain at this time.

PreventionGenetics, part of Exact Sciences
Classification: Likely benign for RASA1-related condition. Last evaluated: 2023-09-27. Review status: no assertion criteria provided. Collection method: clinical testing. Allele origin: germline. Not counted in ClinVar's aggregate classification.
Comment: This variant is classified as likely benign based on ACMG/AMP sequence variant interpretation guidelines (Richards et al. 2015 PMID: 25741868, with internal and published modifications).

NM_002890.3(RASA1):c.2773A>G (p.Ile925Val)

Genes: CCNH (cyclin H; minus strand), RASA1 (RAS p21 protein activator 1; plus strand). Cytogenetic location: 5q14.3.
Variant type: single nucleotide variant.
Coding change: c.2773A>G on transcript NM_002890.3 (MANE Select); coding-DNA position 2773, A replaced by G.
Protein change: p.Ile925Val; replaces isoleucine 925 with valine.
Molecular consequence: missense variant. On other transcripts: intron variant (1).
Genome position (GRCh38, 1-based): chr5:87,385,315, A>G. VCF-style: chr5-87385315-A-G. GRCh37 (hg19) VCF-style: chr5-86681132-A-G.
Other names: c.2242A>G, p.Ile748Val (NM_022650.3); c.933+9729T>C (NM_001364075.2); short protein forms I925V, I748V.
Identifiers: ClinVar variation 533443 (VCV000533443.17), dbSNP rs140786299, ClinGen allele CA3336113.
Genomic context (GRCh38, chr5:87,385,315, plus strand): 5'-GTGCTGTTGGACTTGGTGTCATTAGCTGTGCCCAATTCTGTTACAGATTCTCCATCTCCT[A>G]TTGCTGCAAGAACACTGATATTAGTGGCTAAATCTGTGCAGAACTTAGCAAATCTTGTGG-3'
Protein context (NP_002881.1, residues 915-935): FNIISDSPSP[Ile925Val]AARTLILVAK